The following is an entry in ClinVar:

ClinVar aggregate classification (germline): Likely benign. Review status: criteria provided, multiple submitters, no conflicts (2 of 4 stars). 2 submissions from 2 submitters: Likely benign (2). Last evaluated 2025-06-04.

Conditions:
Juvenile polyposis syndrome (JPS). Identifiers: Orphanet 2929, MedGen C0345893, MONDO:0017380, OMIM 174900.

Submissions (2):

Labcorp Genetics (formerly Invitae), Labcorp
Classification: Likely benign for Juvenile polyposis syndrome. Last evaluated: 2025-06-04. Review status: criteria provided, single submitter. Criteria: Invitae Variant Classification Sherloc (09022015). Collection method: clinical testing. Allele origin: germline.

Myriad Genetics, Inc.
Classification: Likely benign for Juvenile polyposis syndrome. Last evaluated: 2024-08-07. Review status: criteria provided, single submitter. Criteria: Myriad Autosomal Dominant, Autosomal Recessive and X-Linked Classification Criteria (2023). Collection method: clinical testing. Allele origin: unknown.
Comment: This variant is considered likely benign. This variant is intronic and is not expected to impact mRNA splicing.

NM_004329.3(BMPR1A):c.1343-11_1343-10delinsCC

Gene: BMPR1A (bone morphogenetic protein receptor type 1A; plus strand). Cytogenetic location: 10q23.2.
Variant type: Indel.
Coding change: c.1343-11_1343-10delinsCC on transcript NM_004329.3 (MANE Select); 11 bases into the intron before coding-DNA position 1343 through 10 bases into the intron before coding-DNA position 1343, TT replaced by CC.
Molecular consequence: intron variant.
Genome position (GRCh38, 1-based): chr10:86,923,365-86,923,366, TT replaced by CC. VCF-style: chr10-86923365-TT-CC. GRCh37 (hg19) VCF-style: chr10-88683122-TT-CC.
Identifiers: ClinVar variation 2089960 (VCV002089960.5), dbSNP rs2539647529, ClinGen allele CA2580082359.
Genomic context (GRCh38, chr10:86,923,365, plus strand): 5'-AGATGCTTACTAGATTGGTATATCTTGTCCAGCAACCATTTTTGTGCCCATGTTTTCTCA[TT>CC]CCCTTATAGGGATCGTGGAAGAATACCAATTGCCATATTACAACATGGTACCGAGTGATC-3'